The following is an entry in ClinVar:

NM_000059.4(BRCA2):c.2482T>C (p.Tyr828His)

Gene: BRCA2 (BRCA2 DNA repair associated; plus strand). Cytogenetic location: 13q13.1.
Variant type: single nucleotide variant.
Coding change: c.2482T>C on transcript NM_000059.4 (MANE Select); coding-DNA position 2482, T replaced by C.
Protein change: p.Tyr828His; replaces tyrosine 828 with histidine.
Molecular consequence: missense variant.
Genome position (GRCh38, 1-based): chr13:32,336,837, T>C. VCF-style: chr13-32336837-T-C. GRCh37 (hg19) VCF-style: chr13-32910974-T-C.
Other names: NM_000059.4(BRCA2):c.2482T>C; p.Tyr828His; short protein forms Y828H.
Identifiers: ClinVar variation 409559 (VCV000409559.20), dbSNP rs1060502466, ClinGen allele CA16614121.
Genomic context (GRCh38, chr13:32,336,837, plus strand): 5'-GAATTAACCAAAAATATTCCCATGGAAAAGAATCAAGATGTATGTGCTTTAAATGAAAAT[T>C]ATAAAAACGTTGAGCTGTTGCCACCTGAAAAATACATGAGAGTAGCATCACCTTCAAGAA-3'
Protein context (NP_000050.3, residues 818-838): NQDVCALNEN[Tyr828His]KNVELLPPEK

ClinVar aggregate classification (germline): Likely benign. Review status: reviewed by expert panel (3 of 4 stars). 7 submissions from 7 submitters: Likely benign (1). 6 of the submissions do not count toward it. Last evaluated 2025-05-23.

Conditions:
Hereditary breast ovarian cancer syndrome. Also called: Hereditary breast and ovarian cancer syndrome; Hereditary breast and/or ovarian cancer syndrome; BRCA1- and BRCA2-Associated Hereditary Breast and Ovarian Cancer; Hereditary breast and ovarian cancer syndrome (HBOC); Hereditary breast and ovarian cancer; Breast and ovarian cancer. Identifiers: Orphanet 145, MedGen C0677776, MeSH D061325, MONDO:0003582. Disease mechanism: loss of function.
BRCA2-related cancer predisposition. Identifiers: MedGen CN377758, MONDO:0700269.
Breast neoplasm. Also called: Neoplasm of breast; Breast tumor; Breast Neoplasms; Neoplasm of the breast. Identifiers: MedGen C1458155, MeSH D001943, MONDO:0021100, HP:0100013. Disease mechanism: gain of function.
Breast-ovarian cancer, familial, susceptibility to, 2 (BROVCA2). Also called: BRCA2 Hereditary Breast and Ovarian Cancer. Identifiers: Orphanet 145, MedGen C2675520, MONDO:0012933, OMIM 612555. Disease mechanism: loss of function.
Hereditary cancer-predisposing syndrome. Also called: Hereditary neoplastic syndrome; Neoplastic Syndromes, Hereditary; Tumor predisposition; Hereditary Cancer Syndrome. Identifiers: Orphanet 140162, MedGen C0027672, MeSH D009386, MONDO:0015356.

Allele frequency attached by ClinVar (database versions not stated): gnomAD 0.00001; gnomAD exomes 0.00001.

Submissions (7):

ClinGen ENIGMA BRCA1 and BRCA2 Variant Curation Expert Panel, ClinGen
Classification: Likely benign for BRCA2-related cancer predisposition. Last evaluated: 2025-05-23. Review status: reviewed by expert panel. Criteria: CSpec BRCA1/2ACMG Rules Specifications V1.2. Collection method: curation. Allele origin: germline. Inheritance: Autosomal dominant inheritance.
Comment: The c.2482T>C variant in BRCA2 is a missense variant predicted to cause substitution of Tyrosine by Histidine at amino acid 828 (p.(Tyr828His)). This variant is present in gnomAD v2.1 (exomes only, non-cancer subset) or gnomAD v3.1 (non-cancer subset) but is below the ENIGMA BRCA1/2 VCEP threshold >0.00002 for BS1_Supporting (PM2_Supporting, BS1, and BA1 are not met). This missense variant is located outside of a key functional domain and was not predicted to alter mRNA splicing using SpliceAI (score 0.00, score threshold ≤0.1) (BP1_Strong met). In summary, this variant meets the criteria to be classified as a Likely benign variant for BRCA2-related cancer predisposition based on the ACMG/AMP criteria applied as specified by the ENIGMA BRCA1/2 VCEP (v1.2) (BP1_Strong).

Labcorp Genetics (formerly Invitae), Labcorp
Classification: Uncertain significance for Hereditary breast ovarian cancer syndrome. Last evaluated: 2026-01-25. Review status: criteria provided, single submitter. Criteria: Invitae Variant Classification Sherloc (09022015). Collection method: clinical testing. Allele origin: germline. Not counted in ClinVar's aggregate classification.
Comment: This sequence change replaces tyrosine, which is neutral and polar, with histidine, which is basic and polar, at codon 828 of the BRCA2 protein (p.Tyr828His). This variant is not present in population databases (gnomAD no frequency). This missense change has been observed in individual(s) with breast cancer, esophageal cancer, lung cancer, and/or ovarian cancer (PMID: 22126563, 29020732, 30287823, 31907386, 38349998). ClinVar contains an entry for this variant (Variation ID: 409559). Invitae Evidence Modeling of protein sequence and biophysical properties (such as structural, functional, and spatial information, amino acid conservation, physicochemical variation, residue mobility, and thermodynamic stability) indicates that this missense variant is not expected to disrupt BRCA2 protein function with a negative predictive value of 95%. Experimental studies have shown that this missense change does not substantially affect BRCA2 function (PMID: 37731132). In summary, the available evidence is currently insufficient to determine the role of this variant in disease. Therefore, it has been classified as a Variant of Uncertain Significance.

Ambry Genetics
Classification: Uncertain significance for Hereditary cancer-predisposing syndrome. Last evaluated: 2025-07-15. Review status: criteria provided, single submitter. Criteria: Ambry Variant Classification Scheme 2023. Collection method: clinical testing. Allele origin: germline. Not counted in ClinVar's aggregate classification.
Comment: The p.Y828H variant (also known as c.2482T>C), located in coding exon 10 of the BRCA2 gene, results from a T to C substitution at nucleotide position 2482. The tyrosine at codon 828 is replaced by histidine, an amino acid with similar properties. This alteration was observed in 2/7,051 unselected female breast cancer patients and was observed in 1/11,241 female controls of Japanese ancestry, as well as in 1/7,636 unselected prostate cancer patients and in 0/12,366 male controls of Japanese ancestry (Momozawa Y et al. Nat Commun, 2018 Oct;9:4083; Momozawa Y et al. J Natl Cancer Inst, 2020 Apr;112:369-376). This alteration was detected in a cohort of 117 Korean epithelial ovarian cancer patients (Eoh KJ et al. Cancer Res Treat, 2018 Jul;50:917-925). This alteration was also detected in study including 831 Chinese women with breast cancer cases and 839 controls (Guo X et al. Int J Cancer, 2020 Apr;146:2175-2181). This amino acid position is poorly conserved in available vertebrate species. In addition, the in silico prediction for this alteration is inconclusive. Based on the available evidence, the clinical significance of this variant remains unclear.

University of Washington Department of Laboratory Medicine, University of Washington
Classification: Likely benign for Hereditary cancer-predisposing syndrome. Last evaluated: 2023-03-23. Review status: criteria provided, single submitter. Criteria: Dines et al. (Genet Med. 2020). Collection method: curation. Allele origin: germline. Not counted in ClinVar's aggregate classification.
Comment: Missense variant in a coldspot region where missense variants are very unlikely to be pathogenic (PMID:31911673).

BRCA2 exon 11 coldspot. Reclassification based on statistical prior probability.

Color Diagnostics, LLC DBA Color Health
Classification: Uncertain significance for Hereditary cancer-predisposing syndrome. Last evaluated: 2021-03-09. Review status: criteria provided, single submitter. Criteria: ACMG Guidelines, 2015. Collection method: clinical testing. Allele origin: germline. Not counted in ClinVar's aggregate classification.
Comment: This missense variant replaces tyrosine with histidine at codon 828 of the BRCA2 protein. Computational prediction suggests that this variant may not impact protein structure and function (internally defined REVEL score threshold <= 0.5, PMID: 27666373). To our knowledge, functional studies have not been reported for this variant. This variant has been reported in individuals affected with breast/ovarian cancer (PMID: 29020732, 30287823, 32963034), esophageal squamous cell carcinoma (PMID: 22126563, 31396961). This variant has not been identified in the general population by the Genome Aggregation Database (gnomAD) but has been reported in healthy control individuals (PMID: 30287823, 32980694). The available evidence is insufficient to determine the role of this variant in disease conclusively. Therefore, this variant is classified as a Variant of Uncertain Significance.

Fulgent Genetics
Classification: Likely pathogenic for Breast-ovarian cancer, familial, susceptibility to, 2. Last evaluated: 2015-10-02. Review status: criteria provided, single submitter. Criteria: ACMG Guidelines, 2015. Collection method: clinical testing. Allele origin: unknown. Not counted in ClinVar's aggregate classification.

3DMed Clinical Laboratory Inc
Classification: Uncertain significance for Neoplasm of the breast. Last evaluated: 2017-03-29. Review status: no assertion criteria provided. Criteria: ACMG Guidelines, 2015. Collection method: clinical testing. Allele origin: germline. Affected: yes. Not counted in ClinVar's aggregate classification.

Literature cited by the submitters: PubMed 22126563 (cited by Labcorp Genetics (formerly Invitae), Labcorp and Ambry Genetics); PubMed 29020732 (cited by Labcorp Genetics (formerly Invitae), Labcorp and Ambry Genetics); PubMed 30287823 (cited by Labcorp Genetics (formerly Invitae), Labcorp and Ambry Genetics); PubMed 31907386 (cited by Labcorp Genetics (formerly Invitae), Labcorp); PubMed 38349998 (cited by Labcorp Genetics (formerly Invitae), Labcorp); PubMed 37731132 (cited by Labcorp Genetics (formerly Invitae), Labcorp); PubMed 31214711 (cited by Ambry Genetics); PubMed 31837001 (cited by Ambry Genetics).